The following is an entry in ClinVar:

NM_006361.6(HOXB13):c.280_283dup (p.Ser95fs)

Gene: HOXB13 (homeobox B13; minus strand). Cytogenetic location: 17q21.32.
Variant type: Duplication.
Coding change: c.280_283dup on transcript NM_006361.6 (MANE Select); coding-DNA positions 280 to 283, 4 bases duplicated (CGGA; older notation c.280_283dupCGGA).
Protein change: p.Ser95fs; shifts the reading frame from serine 95.
Molecular consequence: frameshift variant.
Genome position (GRCh38, 1-based): chr17:48,728,311-48,728,314, TCCG duplicated on the plus strand (CGGA on the coding strand, the reverse complement: HOXB13 is on the minus strand). VCF-style (leftmost placement, unchanged base first): chr17-48728310-C-CTCCG. GRCh37 (hg19) VCF-style: chr17-46805672-C-CTCCG.
Other names: short protein forms S95fs.
Identifiers: ClinVar variation 821833 (VCV000821833.4), dbSNP rs1597934586, ClinGen allele CA915950432.

ClinVar aggregate classification (germline): Uncertain significance (1 of 4 stars; one submission).

Conditions:
Hereditary cancer-predisposing syndrome. Also called: Tumor predisposition; Hereditary Cancer Syndrome; Neoplastic Syndromes, Hereditary; Hereditary neoplastic syndrome. Identifiers: Orphanet 140162, MedGen C0027672, MeSH D009386, MONDO:0015356.

Submission:

Ambry Genetics
Classification: Uncertain significance for Hereditary cancer-predisposing syndrome. Last evaluated: 2018-03-08. Review status: criteria provided, single submitter. Criteria: Ambry Variant Classification Scheme 2023. Collection method: clinical testing. Allele origin: germline.
Comment: The c.280_283dupCGGA variant, located in coding exon 1 of the HOXB13 gene, results from a duplication of CGGA at nucleotide position 280, causing a translational frameshift with a predicted alternate stop codon (p.S95Tfs*33). This alteration is expected to result in loss of function by premature protein truncation or nonsense-mediated mRNA decay. However, loss of function via haploinsufficiency in HOXB13 has not been clearly established as a mechanism of disease. Since supporting evidence is limited at this time, the clinical significance of this alteration remains unclear.